The following is an entry in ClinVar:

ClinVar aggregate classification (germline): Uncertain significance (1 of 4 stars; one submission).

Conditions:
Inborn genetic diseases. Identifiers: MedGen C0950123, MeSH D030342.

Submission:

Ambry Genetics
Classification: Uncertain significance for Inborn genetic diseases. Last evaluated: 2023-04-07. Review status: criteria provided, single submitter. Criteria: Ambry Variant Classification Scheme 2023. Collection method: clinical testing. Allele origin: germline.
Comment: The p.H158Q variant (also known as c.474T>A), located in coding exon 5 of the MDH2 gene, results from a T to A substitution at nucleotide position 474. The histidine at codon 158 is replaced by glutamine, an amino acid with highly similar properties. This amino acid position is conserved. In addition, this alteration is predicted to be tolerated by in silico analysis. Since supporting evidence is limited at this time, the clinical significance of this alteration remains unclear.

NM_005918.4(MDH2):c.474T>A (p.His158Gln)

Gene: MDH2 (malate dehydrogenase 2; plus strand). Cytogenetic location: 7q11.23.
Variant type: single nucleotide variant.
Coding change: c.474T>A on transcript NM_005918.4 (MANE Select); coding-DNA position 474, T replaced by A.
Protein change: p.His158Gln; replaces histidine 158 with glutamine.
Molecular consequence: missense variant. On other transcripts: intron variant (1).
Genome position (GRCh38, 1-based): chr7:76,060,417, T>A. VCF-style: chr7-76060417-T-A. GRCh37 (hg19) VCF-style: chr7-75689735-T-A.
Other names: c.153T>A, p.His51Gln (NM_001282404.2); c.429+2339T>A (NM_001282403.2); short protein forms H158Q, H51Q.
Identifiers: ClinVar variation 2562830 (VCV002562830.2), dbSNP rs2535863813, ClinGen allele CA367764885.